The following is an entry in ClinVar:

ClinVar aggregate classification (germline): Uncertain significance. Review status: criteria provided, multiple submitters, no conflicts (2 of 4 stars). 2 submissions from 2 submitters: Uncertain significance (2). Last evaluated 2025-04-06.

Conditions:
Inborn genetic diseases. Identifiers: MedGen C0950123, MeSH D030342.

gnomAD v4.1: 8 of 1,614,084 alleles (0.0005%); highest among the groups gnomAD compares: South Asian, 0.0077%; no homozygotes.

Submissions (2):

Ambry Genetics
Classification: Uncertain significance for Inborn genetic diseases. Last evaluated: 2025-04-06. Review status: criteria provided, single submitter. Criteria: Ambry Variant Classification Scheme 2023. Collection method: clinical testing. Allele origin: germline.
Comment: The p.R1088G variant (also known as c.3262A>G), located in coding exon 24 of the ANKRD26 gene, results from an A to G substitution at nucleotide position 3262. The arginine at codon 1088 is replaced by glycine, an amino acid with dissimilar properties. This amino acid position is conserved. In addition, this alteration is predicted to be tolerated by in silico analysis. Based on the available evidence, the clinical significance of this variant remains unclear.

GeneDx
Classification: Uncertain significance. Last evaluated: 2023-11-06. Review status: criteria provided, single submitter. Criteria: GeneDx Variant Classification Process June 2021. Collection method: clinical testing. Allele origin: germline. Affected: yes.
Comment: Not observed at significant frequency in large population cohorts (gnomAD); In silico analysis supports that this missense variant has a deleterious effect on protein structure/function; Has not been previously published as pathogenic or benign to our knowledge

NM_014915.3(ANKRD26):c.3262A>G (p.Arg1088Gly)

Gene: ANKRD26 (ankyrin repeat domain containing 26; minus strand). Cytogenetic location: 10p12.1.
Variant type: single nucleotide variant.
Coding change: c.3262A>G on transcript NM_014915.3 (MANE Select); coding-DNA position 3262, A replaced by G.
Protein change: p.Arg1088Gly; replaces arginine 1088 with glycine.
Molecular consequence: missense variant.
Genome position (GRCh38, 1-based): chr10:27,035,188, T>C on the plus strand (A>G on the coding strand, the complement: ANKRD26 is on the minus strand). VCF-style: chr10-27035188-T-C. GRCh37 (hg19) VCF-style: chr10-27324117-T-C.
Other names: c.3259A>G, p.Arg1087Gly (NM_001256053.2); short protein forms R1087G, R1088G.
Identifiers: ClinVar variation 3363873 (VCV003363873.2).